The following is an entry in ClinVar:

NM_001256012.3(MYH10):c.1678G>C (p.Val560Leu)

Gene: MYH10 (myosin heavy chain 10; minus strand). Cytogenetic location: 17p13.1.
Variant type: single nucleotide variant.
Coding change: c.1678G>C on transcript NM_001256012.3 (MANE Select); coding-DNA position 1678, G replaced by C.
Protein change: p.Val560Leu; replaces valine 560 with leucine.
Molecular consequence: missense variant.
Genome position (GRCh38, 1-based): chr17:8,535,859, C>G on the plus strand (G>C on the coding strand, the complement: MYH10 is on the minus strand). VCF-style: chr17-8535859-C-G. GRCh37 (hg19) VCF-style: chr17-8439177-C-G.
Other names: c.1675G>C, p.Val559Leu (NM_001256095.2); c.1678G>C, p.Val560Leu (NM_001375266.1); c.1648G>C, p.Val550Leu (NM_005964.5); short protein forms V550L, V559L, V560L.
Identifiers: ClinVar variation 3361584 (VCV003361584.1).

ClinVar aggregate classification (germline): Uncertain significance (1 of 4 stars; one submission).

Submission:

GeneDx
Classification: Uncertain significance. Last evaluated: 2023-07-27. Review status: criteria provided, single submitter. Criteria: GeneDx Variant Classification Process June 2021. Collection method: clinical testing. Allele origin: germline. Affected: yes.
Comment: Not observed at significant frequency in large population cohorts (gnomAD); In silico analysis supports that this missense variant has a deleterious effect on protein structure/function; Has not been previously published as pathogenic or benign to our knowledge